The following is an entry in ClinVar:

ClinVar aggregate classification (germline): Uncertain significance. Review status: criteria provided, multiple submitters, no conflicts (2 of 4 stars). 6 submissions from 6 submitters: Uncertain significance (6). Last evaluated 2026-06-23.

Conditions:
Cardiovascular phenotype. Identifiers: MedGen CN230736.
Catecholaminergic polymorphic ventricular tachycardia (CVPT). Also called: Catecholamine-induced polymorphic ventricular tachycardia. Identifiers: Orphanet 3286, MedGen C5574922, MONDO:0017990.
Cardiomyopathy (CMYO). Also called: Cardiomyopathies. Identifiers: Orphanet 167848, MedGen C0878544, MONDO:0004994, HP:0001638. Inheritance: Various modes of inheritance.
Catecholaminergic polymorphic ventricular tachycardia 1. Also called: VENTRICULAR TACHYCARDIA, STRESS-INDUCED POLYMORPHIC 1; VENTRICULAR TACHYCARDIA, CATECHOLAMINERGIC POLYMORPHIC, 1, WITH OR WITHOUT ATRIAL DYSFUNCTION AND/OR DILATED CARDIOMYOPATHY; RYR2-Related Catecholaminergic Polymorphic Ventricular Tachycardia. Identifiers: Orphanet 3286, MedGen C1631597, MONDO:0011484, OMIM 604772.

Allele frequency attached by ClinVar (database versions not stated): TOPMed below 0.00001; ExAC 0.00002; gnomAD exomes 0.00001 and 0.00002.
gnomAD v4.1: 7 of 1,613,922 alleles (0.00043%); highest among the groups gnomAD compares: Middle Eastern, 0.016%; no homozygotes.

Submissions (6):

Ambry Genetics
Classification: Uncertain significance for Cardiovascular phenotype. Last evaluated: 2026-06-23. Review status: criteria provided, single submitter. Criteria: Ambry Variant Classification Scheme 2023. Collection method: clinical testing. Allele origin: germline.
Comment: The p.N1669S variant (also known as c.5006A>G), located in coding exon 37 of the RYR2 gene, results from an A to G substitution at nucleotide position 5006. The asparagine at codon 1669 is replaced by serine, an amino acid with highly similar properties. This variant was reported in an individual with coronary heart disease and polymorphic ventricular tachycardia (Guelly C et al. PeerJ, 2021 Jan;9:e10711). This amino acid position is highly conserved in available vertebrate species. In addition, the in silico prediction for this alteration is inconclusive. Based on the available evidence, the clinical significance of this variant remains unclear.

Color Diagnostics, LLC DBA Color Health
Classification: Uncertain significance for Cardiomyopathy. Last evaluated: 2025-09-09. Review status: criteria provided, single submitter. Criteria: ACMG Guidelines, 2015. Collection method: clinical testing. Allele origin: germline.
Comment: This missense variant replaces asparagine with serine at codon 1669 of the RYR2 protein. Computational prediction suggests that this variant may have deleterious impact on protein structure and function. To our knowledge, functional studies have not been reported for this variant. This variant has been reported in an individual affected with polymorphic ventricular tachycardia (PMID: 33552729). This variant has been identified in 4/249078 chromosomes in the general population by the Genome Aggregation Database (gnomAD). The available evidence is insufficient to determine the role of this variant in disease conclusively. Therefore, this variant is classified as a Variant of Uncertain Significance.

Labcorp Genetics (formerly Invitae), Labcorp
Classification: Uncertain significance for Catecholaminergic polymorphic ventricular tachycardia 1. Last evaluated: 2025-04-27. Review status: criteria provided, single submitter. Criteria: Invitae Variant Classification Sherloc (09022015). Collection method: clinical testing. Allele origin: germline.
Comment: This sequence change replaces asparagine, which is neutral and polar, with serine, which is neutral and polar, at codon 1669 of the RYR2 protein (p.Asn1669Ser). This variant is present in population databases (rs727503400, gnomAD 0.006%). This missense change has been observed in individual(s) with ventricular tachycardia (PMID: 33552729). ClinVar contains an entry for this variant (Variation ID: 165099). Invitae Evidence Modeling of protein sequence and biophysical properties (such as structural, functional, and spatial information, amino acid conservation, physicochemical variation, residue mobility, and thermodynamic stability) indicates that this missense variant is expected to disrupt RYR2 protein function with a positive predictive value of 95%. In summary, the available evidence is currently insufficient to determine the role of this variant in disease. Therefore, it has been classified as a Variant of Uncertain Significance.

All of Us Research Program, National Institutes of Health
Classification: Uncertain significance for Catecholaminergic polymorphic ventricular tachycardia. Last evaluated: 2023-12-13. Review status: criteria provided, single submitter. Criteria: ACMG Guidelines, 2015. Collection method: clinical testing. Allele origin: germline. Inheritance: Autosomal dominant inheritance. Observed: 3 variant alleles, 3 heterozygotes.
Comment: This missense variant replaces asparagine with serine at codon 1669 of the RYR2 protein. Computational prediction suggests that this variant may have deleterious impact on protein structure and function (internally defined REVEL score threshold >= 0.7, PMID: 27666373). To our knowledge, functional studies have not been reported for this variant. This variant has been reported in an individual affected with polymorphic ventricular tachycardia (PMID: 33552729). This variant has been identified in 4/249078 chromosomes in the general population by the Genome Aggregation Database (gnomAD). The available evidence is insufficient to determine the role of this variant in disease conclusively. Therefore, this variant is classified as a Variant of Uncertain Significance.

This study involves interpretation of variants in research participants for the purpose of population health screening. Participant phenotype was not available at the time of variant classification. Additional details can be found in publication PMID: 35346344, PMCID: PMC8962531

Blueprint Genetics
Classification: Uncertain significance. Last evaluated: 2021-10-04. Review status: criteria provided, single submitter. Criteria: ACMG Guidelines, 2015. Collection method: clinical testing. Allele origin: germline.

Laboratory for Molecular Medicine, Mass General Brigham Personalized Medicine
Classification: Uncertain significance. Last evaluated: 2014-08-07. Review status: criteria provided, single submitter. Criteria: LMM Criteria. Collection method: clinical testing. Allele origin: germline. Observed: 1 variant allele.
Comment: The Asn1669Ser variant in RYR2 has not been previously reported in individuals w ith cardiomyopathy or in large population studies. Computational prediction tool s and conservation analysis do not provide strong support for or against an impa ct to the protein. In summary, the clinical significance of the Asn1669Ser varia nt is uncertain.

Literature cited by the submitters: PubMed 33552729 (cited by 4 submitters).

NM_001035.3(RYR2):c.5006A>G (p.Asn1669Ser)

Gene: RYR2 (ryanodine receptor 2; plus strand). Cytogenetic location: 1q43.
Variant type: single nucleotide variant.
Coding change: c.5006A>G on transcript NM_001035.3 (MANE Select); coding-DNA position 5006, A replaced by G.
Protein change: p.Asn1669Ser; replaces asparagine 1669 with serine.
Molecular consequence: missense variant.
Genome position (GRCh38, 1-based): chr1:237,614,134, A>G. VCF-style: chr1-237614134-A-G. GRCh37 (hg19) VCF-style: chr1-237777434-A-G.
Other names: short protein forms N1669S.
Identifiers: ClinVar variation 165099 (VCV000165099.13), dbSNP rs727503400, ClinGen allele CA009763.